The following is an entry in ClinVar:

NC_000021.8:g.(?_44270159)_(44329131_?)dup

Genes: NDUFV3 (NADH:ubiquinone oxidoreductase subunit V3; plus strand), WDR4 (WD repeat domain 4; minus strand). Cytogenetic location: 21q22.3.
Variant type: Duplication.
Identifiers: ClinVar variation 2427139 (VCV002427139.3).

ClinVar aggregate classification (germline): Uncertain significance (1 of 4 stars; one submission).

Submission:

Labcorp Genetics (formerly Invitae), Labcorp
Classification: Uncertain significance. Last evaluated: 2022-10-25. Review status: criteria provided, single submitter. Criteria: Invitae Variant Classification Sherloc (09022015). Collection method: clinical testing. Allele origin: germline.
Comment: A copy number gain of the genomic region encompassing the full coding sequence of the WDR4 gene has been identified. The boundaries of this event are unknown as they extend beyond the assayed region for this gene and therefore may encompass additional genes. As the precise location of this event is unknown, it may be in tandem or it may be located elsewhere in the genome. This variant has not been reported in the literature in individuals affected with WDR4-related conditions. In summary, the available evidence is currently insufficient to determine the role of this variant in disease. Therefore, it has been classified as a Variant of Uncertain Significance.